The following is an entry in ClinVar:

NM_001162501.2(TNRC6B):c.425C>T (p.Ala142Val)

Gene: TNRC6B (trinucleotide repeat containing adaptor 6B; plus strand). Cytogenetic location: 22q13.1.
Variant type: single nucleotide variant.
Coding change: c.425C>T on transcript NM_001162501.2 (MANE Select); coding-DNA position 425, C replaced by T.
Protein change: p.Ala142Val; replaces alanine 142 with valine.
Molecular consequence: missense variant.
Genome position (GRCh38, 1-based): chr22:40,262,141, C>T. VCF-style: chr22-40262141-C-T. GRCh37 (hg19) VCF-style: chr22-40658145-C-T.
Other names: c.533C>T, p.Ala178Val (NM_001024843.2); c.425C>T, p.Ala142Val (NM_015088.3); c.425C>T (NM_001162501.1); short protein forms A142V, A178V.
Identifiers: ClinVar variation 2653170 (VCV002653170.25), dbSNP rs199636556, ClinGen allele CA10246502.

ClinVar aggregate classification (germline): Benign. Review status: criteria provided, single submitter (1 of 4 stars). 2 submissions from 2 submitters: Benign (1). 1 of the submissions does not count toward it. Last evaluated 2022-07-01.

Conditions:
TNRC6B-related disorder. Also called: TNRC6B-related condition.

Allele frequency attached by ClinVar (database versions not stated): gnomAD exomes 0.00011; ExAC 0.00030; 1000 Genomes Project 0.00060; 1000 Genomes Project 30x 0.00078; ESP Exome Variant Server 0.00094; gnomAD 0.00102; TOPMed 0.00108.
gnomAD v4.1: 299 of 1,477,432 alleles (0.02%); highest among the groups gnomAD compares: African/African-American, 0.38%; no homozygotes.

Submissions (2):

CeGaT Center for Human Genetics Tuebingen
Classification: Benign. Last evaluated: 2022-07-01. Review status: criteria provided, single submitter. Criteria: CeGaT Center For Human Genetics Tuebingen Variant Classification Criteria Version 2. Collection method: clinical testing. Allele origin: germline. Affected: yes. Observed: 1 variant allele.
Comment: TNRC6B: BS1, BS2

PreventionGenetics, part of Exact Sciences
Classification: Likely benign for TNRC6B-related condition. Last evaluated: 2024-01-26. Review status: no assertion criteria provided. Collection method: clinical testing. Allele origin: germline. Not counted in ClinVar's aggregate classification.
Comment: This variant is classified as likely benign based on ACMG/AMP sequence variant interpretation guidelines (Richards et al. 2015 PMID: 25741868, with internal and published modifications).